The following is an entry in ClinVar:

NM_000158.4(GBE1):c.1335+3A>C

Gene: GBE1 (1,4-alpha-glucan branching enzyme 1; minus strand). Cytogenetic location: 3p12.2.
Variant type: single nucleotide variant.
Coding change: c.1335+3A>C on transcript NM_000158.4 (MANE Select); 3 bases into the intron after coding-DNA position 1335, A replaced by C.
Molecular consequence: intron variant.
Genome position (GRCh38, 1-based): chr3:81,586,089, T>G on the plus strand (A>C on the coding strand, the complement: GBE1 is on the minus strand). VCF-style: chr3-81586089-T-G. GRCh37 (hg19) VCF-style: chr3-81635240-T-G.
Identifiers: ClinVar variation 2018654 (VCV002018654.4), dbSNP rs201052553, ClinGen allele CA78285660.

ClinVar aggregate classification (germline): Uncertain significance (1 of 4 stars; one submission).

Conditions:
Glycogen storage disease IV, classic hepatic. Also called: GSD IV, CLASSIC HEPATIC. Identifiers: MedGen C1856301.
Glycogen storage disease, type IV (GSD4). Also called: BRANCHER DEFICIENCY; AMYLOPECTINOSIS; ANDERSEN DISEASE; CIRRHOSIS, FAMILIAL, WITH DEPOSITION OF ABNORMAL GLYCOGEN; Glycogen storage disease due to glycogen branching enzyme deficiency; GBE1 DEFICIENCY. Identifiers: Orphanet 367, MedGen C0017923, MONDO:0009292, OMIM 232500.

Submission:

Labcorp Genetics (formerly Invitae), Labcorp
Classification: Uncertain significance for Glycogen storage disease, type IV; Glycogen storage disease IV, classic hepatic. Last evaluated: 2022-07-21. Review status: criteria provided, single submitter. Criteria: Invitae Variant Classification Sherloc (09022015). Collection method: clinical testing. Allele origin: germline.
Comment: This variant has not been reported in the literature in individuals affected with GBE1-related conditions. This variant is not present in population databases (gnomAD no frequency). This sequence change falls in intron 10 of the GBE1 gene. It does not directly change the encoded amino acid sequence of the GBE1 protein. It affects a nucleotide within the consensus splice site. Variants that disrupt the consensus splice site are a relatively common cause of aberrant splicing (PMID: 17576681, 9536098). Algorithms developed to predict the effect of sequence changes on RNA splicing suggest that this variant may disrupt the consensus splice site. In summary, the available evidence is currently insufficient to determine the role of this variant in disease. Therefore, it has been classified as a Variant of Uncertain Significance.

Literature cited by the submitters: PubMed 17576681; PubMed 9536098.